The following is an entry in ClinVar:

ClinVar aggregate classification (germline): Uncertain significance (1 of 4 stars; one submission).

Conditions:
Retinitis pigmentosa 12 (RP12). Also called: RP WITH OR WITHOUT PRESERVED PARAARTERIOLE RETINAL PIGMENT EPITHELIUM; RETINITIS PIGMENTOSA WITH OR WITHOUT PARAARTERIOLAR PRESERVATION OF RETINAL PIGMENT EPITHELIUM; RP WITH OR WITHOUT PPRPE. Identifiers: Orphanet 791, MedGen C1838647, MONDO:0010818, OMIM 600105.
Leber congenital amaurosis 8 (LCA8). Identifiers: Orphanet 65, MedGen C3151202, MONDO:0013453, OMIM 613835.

Allele frequency attached by ClinVar (database versions not stated): gnomAD exomes below 0.00001 and 0.00002; ExAC 0.00002.
gnomAD v4.1: 5 of 1,613,986 alleles (0.00031%); highest among the groups gnomAD compares: Non-Finnish European, 0.00042%; no homozygotes.

Submission:

Labcorp Genetics (formerly Invitae), Labcorp
Classification: Uncertain significance for Leber congenital amaurosis 8; Retinitis pigmentosa 12. Last evaluated: 2022-07-12. Review status: criteria provided, single submitter. Criteria: Invitae Variant Classification Sherloc (09022015). Collection method: clinical testing. Allele origin: germline.
Comment: This sequence change replaces valine, which is neutral and non-polar, with alanine, which is neutral and non-polar, at codon 942 of the CRB1 protein (p.Val942Ala). This variant is present in population databases (rs531305918, gnomAD 0.004%). This variant has not been reported in the literature in individuals affected with CRB1-related conditions. ClinVar contains an entry for this variant (Variation ID: 1378069). Algorithms developed to predict the effect of missense changes on protein structure and function are either unavailable or do not agree on the potential impact of this missense change (SIFT: "Deleterious"; PolyPhen-2: "Benign"; Align-GVGD: "Class C25"). In summary, the available evidence is currently insufficient to determine the role of this variant in disease. Therefore, it has been classified as a Variant of Uncertain Significance.

NM_201253.3(CRB1):c.2825T>C (p.Val942Ala)

Gene: CRB1 (crumbs cell polarity complex component 1; plus strand). Cytogenetic location: 1q31.3.
Variant type: single nucleotide variant.
Coding change: c.2825T>C on transcript NM_201253.3 (MANE Select); coding-DNA position 2825, T replaced by C.
Protein change: p.Val942Ala; replaces valine 942 with alanine.
Molecular consequence: missense variant. On other transcripts: non-coding transcript variant (2), intron variant (1).
Genome position (GRCh38, 1-based): chr1:197,429,597, T>C. VCF-style: chr1-197429597-T-C. GRCh37 (hg19) VCF-style: chr1-197398727-T-C.
Other names: c.2489T>C, p.Val830Ala (NM_001193640.2); c.2753T>C, p.Val918Ala (NM_001257965.2); c.2129-6003T>C (NM_001257966.2); short protein forms V942A, V830A, V918A.
Identifiers: ClinVar variation 1378069 (VCV001378069.5), dbSNP rs531305918, ClinGen allele CA1312214.